The following is an entry in ClinVar:

ClinVar aggregate classification (germline): Uncertain significance. Review status: criteria provided, multiple submitters, no conflicts (2 of 4 stars). 2 submissions from 2 submitters: Uncertain significance (2). Last evaluated 2025-11-26.

Conditions:
Baller-Gerold syndrome (BGS). Also called: CRANIOSYNOSTOSIS WITH RADIAL DEFECTS. Identifiers: Orphanet 1225, MedGen C0265308, MONDO:0009039, OMIM 218600.
Inborn genetic diseases. Identifiers: MedGen C0950123, MeSH D030342.

Submissions (2):

Ambry Genetics
Classification: Uncertain significance for Inborn genetic diseases. Last evaluated: 2025-11-26. Review status: criteria provided, single submitter. Criteria: Ambry Variant Classification Scheme 2023. Collection method: clinical testing. Allele origin: germline.
Comment: The p.T1073P variant (also known as c.3217A>C), located in coding exon 18 of the RECQL4 gene, results from an A to C substitution at nucleotide position 3217. The threonine at codon 1073 is replaced by proline, an amino acid with highly similar properties. This amino acid position is conserved. In addition, this alteration is predicted to be tolerated by in silico analysis. Based on the available evidence, the clinical significance of this variant remains unclear.

Labcorp Genetics (formerly Invitae), Labcorp
Classification: Uncertain significance for Baller-Gerold syndrome. Last evaluated: 2019-02-20. Review status: criteria provided, single submitter. Criteria: Invitae Variant Classification Sherloc (09022015). Collection method: clinical testing. Allele origin: germline.
Comment: This sequence change replaces threonine with proline at codon 1073 of the RECQL4 protein (p.Thr1073Pro). The threonine residue is moderately conserved and there is a small physicochemical difference between threonine and proline. This variant is not present in population databases (ExAC no frequency). This variant has not been reported in the literature in individuals with RECQL4-related conditions. Algorithms developed to predict the effect of missense changes on protein structure and function are either unavailable or do not agree on the potential impact of this missense change (SIFT: "Tolerated"; PolyPhen-2: "Not Available"; Align-GVGD: "Class C0"). In summary, the available evidence is currently insufficient to determine the role of this variant in disease. Therefore, it has been classified as a Variant of Uncertain Significance.

NM_004260.4(RECQL4):c.3217A>C (p.Thr1073Pro)

Gene: RECQL4 (RecQ like helicase 4; minus strand). Cytogenetic location: 8q24.3.
Variant type: single nucleotide variant.
Coding change: c.3217A>C on transcript NM_004260.4 (MANE Select); coding-DNA position 3217, A replaced by C.
Protein change: p.Thr1073Pro; replaces threonine 1073 with proline.
Molecular consequence: missense variant.
Genome position (GRCh38, 1-based): chr8:144,512,163, T>G on the plus strand (A>C on the coding strand, the complement: RECQL4 is on the minus strand). VCF-style: chr8-144512163-T-G. GRCh37 (hg19) VCF-style: chr8-145737546-T-G.
Other names: short protein forms T1073P.
Identifiers: ClinVar variation 855777 (VCV000855777.2), dbSNP rs1827351854, ClinGen allele CA372669759.